The following is an entry in ClinVar:

ClinVar aggregate classification (germline): Uncertain significance (1 of 4 stars; one submission).

Conditions:
46,XY sex reversal 9 (SRXY9). Also called: 46,XY SEX REVERSAL, ZFPM2-RELATED. Identifiers: Orphanet 251510, MedGen C4015129, MONDO:0014480, OMIM 616067.

Allele frequency attached by ClinVar (database versions not stated): gnomAD exomes below 0.00001.
gnomAD v4.1: 1 of 1,613,916 alleles (0.000062%); highest among the groups gnomAD compares: East Asian, 0.0022%; no homozygotes.

Submission:

Labcorp Genetics (formerly Invitae), Labcorp
Classification: Uncertain significance for 46,XY sex reversal 9. Last evaluated: 2017-03-23. Review status: criteria provided, single submitter. Criteria: Invitae Variant Classification Sherloc (09022015). Collection method: clinical testing. Allele origin: germline.
Comment: This sequence change replaces serine with glycine at codon 1112 of the ZFPM2 protein (p.Ser1112Gly). The serine residue is moderately conserved and there is a small physicochemical difference between serine and glycine. This variant is not present in population databases (ExAC no frequency) and has not been reported in the literature in individuals with a ZFPM2-related disease. Algorithms developed to predict the effect of missense changes on protein structure and function (SIFT, PolyPhen-2, Align-GVGD) all suggest that this variant is likely to be tolerated, but these predictions have not been confirmed by published functional studies. In summary, this variant is a novel missense change that is not predicted to affect protein function. There is no indication that it causes disease, but the available evidence is currently insufficient to prove that conclusively. Therefore, it has been classified as a Variant of Uncertain Significance.

NM_012082.4(ZFPM2):c.3334A>G (p.Ser1112Gly)

Genes: ZFPM2 (zinc finger protein, FOG family member 2; plus strand), ZFPM2-AS1 (ZFPM2 antisense RNA 1; minus strand), LOC126860469 (BRD4-independent group 4 enhancer GRCh37_chr8:106814445-106815644; plus strand). Cytogenetic location: 8q23.1.
Variant type: single nucleotide variant.
Coding change: c.3334A>G on transcript NM_012082.4 (MANE Select); coding-DNA position 3334, A replaced by G.
Protein change: p.Ser1112Gly; replaces serine 1112 with glycine.
Molecular consequence: missense variant.
Genome position (GRCh38, 1-based): chr8:105,803,416, A>G. VCF-style: chr8-105803416-A-G. GRCh37 (hg19) VCF-style: chr8-106815644-A-G.
Other names: c.3175A>G, p.Ser1059Gly (NM_001362836.2); c.2938A>G, p.Ser980Gly (NM_001362837.2); short protein forms S1112G, S980G, S1059G.
Identifiers: ClinVar variation 477990 (VCV000477990.1), dbSNP rs1554583419, ClinGen allele CA371957224.